The following is an entry in ClinVar:

ClinVar aggregate classification (germline): Uncertain significance. Review status: criteria provided, multiple submitters, no conflicts (2 of 4 stars). 2 submissions from 2 submitters: Uncertain significance (2). Last evaluated 2022-03-28.

Conditions:
Pierson syndrome. Also called: MICROCORIA-CONGENITAL NEPHROTIC SYNDROME. Identifiers: Orphanet 2670, MedGen C1836876, MONDO:0012184, OMIM 609049.
LAMB2-related infantile-onset nephrotic syndrome. Also called: NEPHROTIC SYNDROME, TYPE 5, WITHOUT OCULAR ABNORMALITIES; NEPHROTIC SYNDROME, TYPE 5, WITH OCULAR ABNORMALITIES; Nephrotic Syndrome, type 5. Identifiers: Orphanet 306507, MedGen C3280113, MONDO:0013621, OMIM 614199.

Allele frequency attached by ClinVar (database versions not stated): gnomAD 0.00001; gnomAD exomes 0.00001; ExAC 0.00002; TOPMed 0.00002.
gnomAD v4.1: 23 of 1,614,028 alleles (0.0014%); highest among the groups gnomAD compares: Middle Eastern, 0.016%; no homozygotes.

Submissions (2):

Labcorp Genetics (formerly Invitae), Labcorp
Classification: Uncertain significance for LAMB2-related infantile-onset nephrotic syndrome; Pierson syndrome. Last evaluated: 2022-03-28. Review status: criteria provided, single submitter. Criteria: Invitae Variant Classification Sherloc (09022015). Collection method: clinical testing. Allele origin: germline.
Comment: In summary, the available evidence is currently insufficient to determine the role of this variant in disease. Therefore, it has been classified as a Variant of Uncertain Significance. Algorithms developed to predict the effect of sequence changes on RNA splicing suggest that this variant may disrupt the consensus splice site. Algorithms developed to predict the effect of missense changes on protein structure and function (SIFT, PolyPhen-2, Align-GVGD) all suggest that this variant is likely to be tolerated. This variant has not been reported in the literature in individuals affected with LAMB2-related conditions. This variant is present in population databases (rs764642268, gnomAD 0.003%). This sequence change replaces arginine, which is basic and polar, with glutamine, which is neutral and polar, at codon 697 of the LAMB2 protein (p.Arg697Gln).

Fulgent Genetics
Classification: Uncertain significance for Pierson syndrome; LAMB2-related infantile-onset nephrotic syndrome. Last evaluated: 2022-03-04. Review status: criteria provided, single submitter. Criteria: ACMG Guidelines, 2015. Collection method: clinical testing. Allele origin: unknown.

NM_002292.4(LAMB2):c.2090G>A (p.Arg697Gln)

Gene: LAMB2 (laminin subunit beta 2; minus strand). Cytogenetic location: 3p21.31.
Variant type: single nucleotide variant.
Coding change: c.2090G>A on transcript NM_002292.4 (MANE Select); coding-DNA position 2090, G replaced by A.
Protein change: p.Arg697Gln; replaces arginine 697 with glutamine.
Molecular consequence: missense variant.
Genome position (GRCh38, 1-based): chr3:49,126,426, C>T on the plus strand (G>A on the coding strand, the complement: LAMB2 is on the minus strand). VCF-style: chr3-49126426-C-T. GRCh37 (hg19) VCF-style: chr3-49163859-C-T.
Other names: short protein forms R697Q.
Identifiers: ClinVar variation 1476808 (VCV001476808.9), dbSNP rs764642268, ClinGen allele CA2394409.